The following is an entry in ClinVar:

NM_000155.4(GALT):c.790del (p.Leu264fs)

Gene: GALT (galactose-1-phosphate uridylyltransferase; plus strand). Cytogenetic location: 9p13.3.
Variant type: Deletion.
Coding change: c.790del on transcript NM_000155.4 (MANE Select); coding-DNA position 790, one base deleted (C; older notation c.790delC).
Protein change: p.Leu264fs; shifts the reading frame from leucine 264.
Molecular consequence: frameshift variant.
Genome position (GRCh38, 1-based): chr9:34,648,864, C deleted. VCF-style (leftmost placement, unchanged base first): chr9-34648863-GC-G. GRCh37 (hg19) VCF-style: chr9-34648860-GC-G.
Other names: c.790del (NM_000155.3); c.463del, p.Leu155fs (NM_001258332.2); short protein forms L155fs, L264fs.
Identifiers: ClinVar variation 4817643 (VCV004817643.2), dbSNP rs1353683150.

ClinVar aggregate classification (germline): Pathogenic/Likely pathogenic. Review status: criteria provided, multiple submitters, no conflicts (2 of 4 stars). 2 submissions from 2 submitters: Pathogenic (1); Likely pathogenic (1). Last evaluated 2026-02-20.

Conditions:
Deficiency of UDPglucose-hexose-1-phosphate uridylyltransferase. Also called: GALACTOSE-1-PHOSPHATE URIDYLYLTRANSFERASE DEFICIENCY; GALT deficiency; Galactosemia, classic; Transferase Deficiency Galactosemia; GALACTOSEMIA I. Identifiers: Orphanet 352, Orphanet 79239, MedGen C0268151, MONDO:0009258, OMIM 230400.
Galactosemia. Also called: Galactose intolerance. Identifiers: Orphanet 352, MedGen C0016952, MONDO:0018116, HP:0004919. Disease mechanism: loss of function.

Allele frequency attached by ClinVar (database versions not stated): gnomAD exomes 0.00001.

Submissions (2):

Myriad Genetics, Inc.
Classification: Pathogenic for Deficiency of UDPglucose-hexose-1-phosphate uridylyltransferase. Last evaluated: 2026-02-20. Review status: criteria provided, single submitter. Criteria: Myriad Autosomal Dominant, Autosomal Recessive and X-Linked Classification Criteria (2023). Collection method: clinical testing. Allele origin: unknown.
Comment: NM_000155.3(GALT):c.790delC(L264Yfs*4) is expected to be pathogenic in the context of galactosemia. This variant is predicted to lead to an abnormal or absent protein product due to the creation of a premature termination codon in GALT, a gene where loss-of-function variants are known to be pathogenic. Please note: this variant was assessed in the context of healthy population screening.

Natera, Inc.
Classification: Likely pathogenic for Galactosemia. Last evaluated: 2026-01-14. Review status: criteria provided, single submitter. Criteria: Natera Variant Classification Schema (03/2026). Collection method: clinical testing. Allele origin: germline.
Comment: The c.790del variant in GALT is a frameshift variant predicted to shift the reading frame beginning at codon 264 and leads to a stop codon 4 codons downstream. This variant is expected to result in nonsense mediated decay, truncation, or a dysfunctional protein product. This variant is rare in the general population with a frequency below the threshold expected for the associated phenotype(s). Given the available evidence, this variant is classified as Likely Pathogenic.